The following is an entry in ClinVar:

ClinVar aggregate classification (germline): Pathogenic (1 of 4 stars; one submission).

Conditions:
Hereditary spastic paraplegia 4. Also called: Spastic paraplegia 4, autosomal dominant; Spastic Paraplegia 4; Familial spastic paraplegia autosomal dominant 2. Identifiers: Orphanet 100985, MedGen C1866855, MONDO:0008438, OMIM 182601.

Submission:

Labcorp Genetics (formerly Invitae), Labcorp
Classification: Pathogenic for Hereditary spastic paraplegia 4. Last evaluated: 2022-02-02. Review status: criteria provided, single submitter. Criteria: Invitae Variant Classification Sherloc (09022015). Collection method: clinical testing. Allele origin: germline.
Comment: For these reasons, this variant has been classified as Pathogenic. This variant has not been reported in the literature in individuals affected with SPAST-related conditions. This variant is not present in population databases (gnomAD no frequency). This sequence change creates a premature translational stop signal (p.Leu380Argfs*9) in the SPAST gene. It is expected to result in an absent or disrupted protein product. Loss-of-function variants in SPAST are known to be pathogenic (PMID: 20932283).

Literature cited by the submitters: PubMed 20932283.

NM_014946.4(SPAST):c.1139_1160del (p.Leu380fs)

Gene: SPAST (spastin; plus strand). Cytogenetic location: 2p22.3.
Variant type: Deletion.
Coding change: c.1139_1160del on transcript NM_014946.4 (MANE Select); coding-DNA positions 1139 to 1160, 22 bases deleted (TCTTTGGTCCACCTGGGAATGG).
Protein change: p.Leu380fs; shifts the reading frame from leucine 380.
Molecular consequence: frameshift variant.
Genome position (GRCh38, 1-based): chr2:32,126,988-32,127,009, TCTTTGGTCCACCTGGGAATGG deleted. VCF-style (leftmost placement, unchanged base first): chr2-32126987-CTCTTTGGTCCACCTGGGAATGG-C. GRCh37 (hg19) VCF-style: chr2-32352056-CTCTTTGGTCCACCTGGGAATGG-C.
Other names: c.1136_1157del, p.Leu379fs (NM_001363823.2); c.1040_1061del, p.Leu347fs (NM_001363875.2); c.1043_1064del, p.Leu348fs (NM_001377959.1, NM_199436.2); short protein forms L347fs, L379fs, L380fs, L348fs.
Identifiers: ClinVar variation 1456779 (VCV001456779.6), dbSNP rs2148744982, ClinGen allele CA2573134504.
Genomic context (GRCh38, chr2:32,126,987, plus strand): 5'-ACTAAAGTATATATTTTTTAGTTGTTCACAGGGCTTAGAGCTCCTGCCAGAGGGCTGTTA[CTCTTTGGTCCACCTGGGAATGG>C]GAAGACAATGCTGGTAAGGGTTCTCTTCAAATTTGAGTTTTCTGTTGAGATATTTGGGAT-3'